The following is an entry in ClinVar:

NM_002905.5(RDH5):c.313C>T (p.Leu105Phe)

Genes: BLOC1S1-RDH5 (BLOC1S1-RDH5 readthrough; plus strand), RDH5 (retinol dehydrogenase 5; plus strand). Cytogenetic location: 12q13.2.
Variant type: single nucleotide variant.
Coding change: c.313C>T on transcript NM_002905.5 (MANE Select); coding-DNA position 313, C replaced by T.
Protein change: p.Leu105Phe; replaces leucine 105 with phenylalanine.
Molecular consequence: missense variant. On other transcripts: non-coding transcript variant (1).
Genome position (GRCh38, 1-based): chr12:55,721,691, C>T. VCF-style: chr12-55721691-C-T. GRCh37 (hg19) VCF-style: chr12-56115475-C-T.
Other names: c.313C>T, p.Leu105Phe (NM_001199771.3); short protein forms L105F.
Identifiers: ClinVar variation 1384295 (VCV001384295.3), dbSNP rs765993603, ClinGen allele CA385200510.
Genomic context (GRCh38, chr12:55,721,691, plus strand): 5'-AAGAGGGAGCTGTGGGAGTGCCTCACCTACCCCCAGCATCCTTTTCATCTCCCCACAGGG[C>T]TTTTTGGTCTGGTGAATAATGCTGGTGTGGCTGGTATCATCGGACCCACACCATGGCTGA-3'
Protein context (NP_002896.2, residues 95-115): WVEMHVKEAG[Leu105Phe]FGLVNNAGVA

ClinVar aggregate classification (germline): Uncertain significance (1 of 4 stars; one submission).

Submission:

Labcorp Genetics (formerly Invitae), Labcorp
Classification: Uncertain significance. Last evaluated: 2022-02-24. Review status: criteria provided, single submitter. Criteria: Invitae Variant Classification Sherloc (09022015). Collection method: clinical testing. Allele origin: germline.
Comment: This sequence change replaces leucine, which is neutral and non-polar, with phenylalanine, which is neutral and non-polar, at codon 105 of the RDH5 protein (p.Leu105Phe). This variant is not present in population databases (gnomAD no frequency). This variant has not been reported in the literature in individuals affected with RDH5-related conditions. Algorithms developed to predict the effect of missense changes on protein structure and function are either unavailable or do not agree on the potential impact of this missense change (SIFT: "Deleterious"; PolyPhen-2: "Probably Damaging"; Align-GVGD: "Class C0"). In summary, the available evidence is currently insufficient to determine the role of this variant in disease. Therefore, it has been classified as a Variant of Uncertain Significance.